The following is an entry in ClinVar:

NM_002206.3(ITGA7):c.283C>G (p.Pro95Ala)

Gene: ITGA7 (integrin subunit alpha 7; minus strand). Cytogenetic location: 12q13.2.
Variant type: single nucleotide variant.
Coding change: c.283C>G on transcript NM_002206.3 (MANE Select); coding-DNA position 283, C replaced by G.
Protein change: p.Pro95Ala; replaces proline 95 with alanine.
Molecular consequence: missense variant. On other transcripts: 5 prime UTR variant (3), intron variant (1).
Genome position (GRCh38, 1-based): chr12:55,703,102, G>C on the plus strand (C>G on the coding strand, the complement: ITGA7 is on the minus strand). VCF-style: chr12-55703102-G-C. GRCh37 (hg19) VCF-style: chr12-56096886-G-C.
Other names: c.283C>G, p.Pro95Ala (NM_001144996.2, NM_001374465.1, NM_001410977.1 and 6 more transcripts); c.-57C>G (NM_001367993.1, NM_001414035.1); c.-890C>G (NM_001367994.1); c.86-1686C>G (NM_001144997.2); c.283C>G (NM_002206.2); short protein forms P95A.
Identifiers: ClinVar variation 1007155 (VCV001007155.12), dbSNP rs940540167, ClinGen allele CA237581118.

ClinVar aggregate classification (germline): Uncertain significance. Review status: criteria provided, multiple submitters, no conflicts (2 of 4 stars). 4 submissions from 4 submitters: Uncertain significance (4). Last evaluated 2026-01-14.

Conditions:
Congenital muscular dystrophy due to integrin alpha-7 deficiency. Also called: MYOPATHY, CONGENITAL, DUE TO INTEGRIN ALPHA-7 DEFICIENCY; Congenital muscular dystrophy with integrin alpha-7 deficiency; Muscular dystrophy, congenital, due to ITGA7 deficiency. Identifiers: Orphanet 34520, MedGen C2750786, MONDO:0013177, OMIM 613204.

Allele frequency attached by ClinVar (database versions not stated): gnomAD 0.00001.
gnomAD v4.1: 12 of 1,613,912 alleles (0.00074%); highest among the groups gnomAD compares: Admixed American, 0.0033%; no homozygotes.

Submissions (4):

Ambry Genetics
Classification: Uncertain significance. Last evaluated: 2026-01-14. Review status: criteria provided, single submitter. Criteria: Ambry Variant Classification Scheme 2023. Collection method: clinical testing. Allele origin: germline.

Labcorp Genetics (formerly Invitae), Labcorp
Classification: Uncertain significance for Congenital muscular dystrophy due to integrin alpha-7 deficiency. Last evaluated: 2025-08-18. Review status: criteria provided, single submitter. Criteria: Invitae Variant Classification Sherloc (09022015). Collection method: clinical testing. Allele origin: germline.
Comment: This sequence change replaces proline, which is neutral and non-polar, with alanine, which is neutral and non-polar, at codon 95 of the ITGA7 protein (p.Pro95Ala). This variant is not present in population databases (gnomAD no frequency). This variant has not been reported in the literature in individuals affected with ITGA7-related conditions. ClinVar contains an entry for this variant (Variation ID: 1007155). Invitae Evidence Modeling of protein sequence and biophysical properties (such as structural, functional, and spatial information, amino acid conservation, physicochemical variation, residue mobility, and thermodynamic stability) indicates that this missense variant is not expected to disrupt ITGA7 protein function with a negative predictive value of 80%. In summary, the available evidence is currently insufficient to determine the role of this variant in disease. Therefore, it has been classified as a Variant of Uncertain Significance.

Revvity Omics, Revvity
Classification: Uncertain significance for Congenital muscular dystrophy due to integrin alpha-7 deficiency. Last evaluated: 2025-03-05. Review status: criteria provided, single submitter. Criteria: ACMG Guidelines, 2015. Collection method: clinical testing. Allele origin: germline.

Women's Health and Genetics/Laboratory Corporation of America, LabCorp
Classification: Uncertain significance. Last evaluated: 2024-12-05. Review status: criteria provided, single submitter. Criteria: LabCorp Variant Classification Summary - May 2015. Collection method: clinical testing. Allele origin: germline.
Comment: Variant summary: ITGA7 c.283C>G (p.Pro95Ala) results in a non-conservative amino acid change in the encoded protein sequence. Five of five in-silico tools predict a damaging effect of the variant on protein function. The variant was absent in 250826 control chromosomes. The available data on variant occurrences in the general population are insufficient to allow any conclusion about variant significance. To our knowledge, no occurrence of c.283C>G in individuals affected with Congenital Muscular Dystrophy Due To Integrin Alpha-7 Deficiency and no experimental evidence demonstrating its impact on protein function have been reported. ClinVar contains an entry for this variant (Variation ID: 1007155). Based on the evidence outlined above, the variant was classified as uncertain significance.